The following is an entry in ClinVar:

ClinVar aggregate classification (germline): Benign/Likely benign. Review status: criteria provided, multiple submitters, no conflicts (2 of 4 stars). 6 submissions from 6 submitters: Benign (3); Likely benign (3). Last evaluated 2026-09-01.

Conditions:
Noonan syndrome 9 (NS9). Identifiers: Orphanet 648, MedGen C4225282, MONDO:0014691, OMIM 616559.
Cardiovascular phenotype. Identifiers: MedGen CN230736.

Allele frequency attached by ClinVar (database versions not stated): 1000 Genomes Project 30x 0.00016; 1000 Genomes Project 0.00020; ExAC 0.00021; gnomAD exomes 0.00022 and 0.00035; TOPMed 0.00025; gnomAD 0.00027; ESP Exome Variant Server 0.00046.
gnomAD v4.1: 559 of 1,613,904 alleles (0.035%); highest among the groups gnomAD compares: Admixed American, 0.055%; no homozygotes.

Submissions (6):

CeGaT Center for Human Genetics Tuebingen
Classification: Likely benign. Last evaluated: 2026-09-01. Review status: criteria provided, single submitter. Criteria: CeGaT Center For Human Genetics Tuebingen Variant Classification Criteria Version 2. Collection method: clinical testing. Allele origin: germline. Affected: yes. Observed: 2 variant alleles.
Comment: SOS2: BP4, BP7

Labcorp Genetics (formerly Invitae), Labcorp
Classification: Benign for Noonan syndrome 9. Last evaluated: 2025-12-20. Review status: criteria provided, single submitter. Criteria: Invitae Variant Classification Sherloc (09022015). Collection method: clinical testing. Allele origin: germline.

Blueprint Genetics
Classification: Likely benign. Last evaluated: 2024-10-29. Review status: criteria provided, single submitter. Criteria: ACMG Guidelines, 2015. Collection method: clinical testing. Allele origin: germline.

Women's Health and Genetics/Laboratory Corporation of America, LabCorp
Classification: Benign. Last evaluated: 2024-03-31. Review status: criteria provided, single submitter. Criteria: LabCorp Variant Classification Summary - May 2015. Collection method: clinical testing. Allele origin: germline.

Ambry Genetics
Classification: Likely benign for Cardiovascular phenotype. Last evaluated: 2019-07-23. Review status: criteria provided, single submitter. Criteria: Ambry Variant Classification Scheme 2023. Collection method: clinical testing. Allele origin: germline.

Genome-Nilou Lab
Classification: Benign for Noonan syndrome 9. Review status: criteria provided, single submitter. Criteria: ACMG Guidelines, 2015. Collection method: clinical testing. Allele origin: germline.

NM_006939.4(SOS2):c.315G>T (p.Leu105=)

Gene: SOS2 (SOS Ras/Rho guanine nucleotide exchange factor 2; minus strand). Cytogenetic location: 14q21.3.
Variant type: single nucleotide variant.
Coding change: c.315G>T on transcript NM_006939.4 (MANE Select); coding-DNA position 315, G replaced by T.
Protein change: p.Leu105=; no amino-acid change (leucine 105 retained).
Molecular consequence: synonymous variant.
Genome position (GRCh38, 1-based): chr14:50,200,983, C>A on the plus strand (G>T on the coding strand, the complement: SOS2 is on the minus strand). VCF-style: chr14-50200983-C-A. GRCh37 (hg19) VCF-style: chr14-50667701-C-A.
Identifiers: ClinVar variation 706071 (VCV000706071.25), dbSNP rs141575190, ClinGen allele CA7177564.
Genomic context (GRCh38, chr14:50,200,983, plus strand): 5'-CCCCCCAACTAATGTTTAATCTTTTGTTACCTTCAACGAAGGATGGATTTTGTCCACAGG[C>A]AGTAAAAGAGGATTTCTTCGTTTTCGTTTTTCTATAGCAGATTGTGCATCAGCAATGGCC-3'
Protein context (NP_008870.2, residues 95-115): EKRKRRNPLL[Leu105=]PVDKIHPSLK